The following is an entry in ClinVar:

ClinVar aggregate classification (germline): Conflicting classifications of pathogenicity. Review status: criteria provided, conflicting classifications (1 of 4 stars). 3 submissions from 3 submitters: Uncertain significance (1); Likely benign (2). Last evaluated 2026-01-11.

Conditions:
KMT2D-related disorder. Also called: KMT2D-Related Disorders.
Kabuki syndrome. Also called: Kabuki make-up syndrome; NIIKAWA-KUROKI SYNDROME. Identifiers: Orphanet 2322, MedGen C0796004, MONDO:0016512.

Allele frequency attached by ClinVar (database versions not stated): gnomAD exomes 0.00001 and 0.00006; ExAC 0.00004; ESP Exome Variant Server 0.00008; gnomAD 0.00011 and 0.00014; TOPMed 0.00019.
gnomAD v4.1: 39 of 1,613,748 alleles (0.0024%); highest among the groups gnomAD compares: African/African-American, 0.04%; no homozygotes.

Submissions (3):

Labcorp Genetics (formerly Invitae), Labcorp
Classification: Likely benign for Kabuki syndrome. Last evaluated: 2026-01-11. Review status: criteria provided, single submitter. Criteria: Invitae Variant Classification Sherloc (09022015). Collection method: clinical testing. Allele origin: germline.

PreventionGenetics, part of Exact Sciences
Classification: Likely benign for KMT2D-related condition. Last evaluated: 2024-10-29. Review status: criteria provided, single submitter. Criteria: ACMG Guidelines, 2015. Collection method: clinical testing. Allele origin: germline.
Comment: This variant is classified as likely benign based on ACMG/AMP sequence variant interpretation guidelines (Richards et al. 2015 PMID: 25741868, with internal and published modifications).

Eurofins Ntd Llc (ga)
Classification: Uncertain significance. Last evaluated: 2015-06-16. Review status: criteria provided, single submitter. Criteria: EGL Classification Definitions 2015. Collection method: clinical testing. Allele origin: germline. Observed: 1 variant allele, 1 heterozygote.

NM_003482.4(KMT2D):c.192G>A (p.Arg64=)

Gene: KMT2D (lysine methyltransferase 2D; minus strand). Cytogenetic location: 12q13.12.
Variant type: single nucleotide variant.
Coding change: c.192G>A on transcript NM_003482.4 (MANE Select); coding-DNA position 192, G replaced by A.
Protein change: p.Arg64=; no amino-acid change (arginine 64 retained).
Molecular consequence: synonymous variant.
Genome position (GRCh38, 1-based): chr12:49,054,736, C>T on the plus strand (G>A on the coding strand, the complement: KMT2D is on the minus strand). VCF-style: chr12-49054736-C-T. GRCh37 (hg19) VCF-style: chr12-49448519-C-T.
Identifiers: ClinVar variation 281366 (VCV000281366.15), dbSNP rs375169999, ClinGen allele CA6548769.
Genomic context (GRCh38, chr12:49,054,736, plus strand): 5'-GCGCCGTAGCTCCCGCTGCCCGTGTAGACTGGGCTCCCCGCAGTTACAGAGAGCACAACG[C>T]CGCACCGGACCCCCACTGTGGACACACAAGCATCAGTACCACGCCAGGCCCCCAGCAACC-3'
Protein context (NP_003473.3, residues 54-74): TPQDCSGGPV[Arg64=]RCALCNCGEP